The following is an entry in ClinVar:

NM_014946.4(SPAST):c.415+1G>A

Gene: SPAST (spastin; plus strand). Cytogenetic location: 2p22.3.
Variant type: single nucleotide variant.
Coding change: c.415+1G>A on transcript NM_014946.4 (MANE Select); the canonical splice donor site of the intron after coding-DNA position 415, G replaced by A.
Molecular consequence: splice donor variant.
Genome position (GRCh38, 1-based): chr2:32,064,247, G>A. VCF-style: chr2-32064247-G-A. GRCh37 (hg19) VCF-style: chr2-32289316-G-A.
Other names: c.415+1G>A (NM_199436.2, NM_001377959.1, NM_001363823.2 and 1 more transcripts).
Identifiers: ClinVar variation 1442673 (VCV001442673.9), dbSNP rs1057521135, ClinGen allele CA346602523.

ClinVar aggregate classification (germline): Pathogenic. Review status: criteria provided, multiple submitters, no conflicts (2 of 4 stars). 2 submissions from 2 submitters: Pathogenic (2). Last evaluated 2022-10-19.

Conditions:
Hereditary spastic paraplegia 4. Also called: Spastic Paraplegia 4; Familial spastic paraplegia autosomal dominant 2; Spastic paraplegia 4, autosomal dominant. Identifiers: Orphanet 100985, MedGen C1866855, MONDO:0008438, OMIM 182601.
SPAST-related disorder. Also called: SPAST-related condition.

Submissions (2):

Blueprint Genetics
Classification: Pathogenic for SPAST-related disorders. Last evaluated: 2022-10-19. Review status: criteria provided, single submitter. Criteria: ACMG Guidelines, 2015. Collection method: clinical testing. Allele origin: germline. Affected: yes. Observed: 1 variant allele.

Labcorp Genetics (formerly Invitae), Labcorp
Classification: Pathogenic for Hereditary spastic paraplegia 4. Last evaluated: 2022-07-06. Review status: criteria provided, single submitter. Criteria: Invitae Variant Classification Sherloc (09022015). Collection method: clinical testing. Allele origin: germline.
Comment: For these reasons, this variant has been classified as Pathogenic. Algorithms developed to predict the effect of sequence changes on RNA splicing suggest that this variant may disrupt the consensus splice site. ClinVar contains an entry for this variant (Variation ID: 1442673). Disruption of this splice site has been observed in individuals with clinical features of hereditary spastic paraplegia (PMID: 16055926). This variant is not present in population databases (gnomAD no frequency). This sequence change affects a donor splice site in intron 1 of the SPAST gene. It is expected to disrupt RNA splicing. Variants that disrupt the donor or acceptor splice site typically lead to a loss of protein function (PMID: 16199547), and loss-of-function variants in SPAST are known to be pathogenic (PMID: 20932283).

Literature cited by the submitters: PubMed 16055926 (cited by Labcorp Genetics (formerly Invitae), Labcorp); PubMed 16199547 (cited by Labcorp Genetics (formerly Invitae), Labcorp); PubMed 20932283 (cited by Labcorp Genetics (formerly Invitae), Labcorp).